The following is an entry in ClinVar:

ClinVar aggregate classification (germline): Conflicting classifications of pathogenicity. Review status: criteria provided, conflicting classifications (1 of 4 stars). 4 submissions from 4 submitters: Uncertain significance (3); Likely benign (1). Last evaluated 2025-11-13.

Conditions:
Hereditary breast ovarian cancer syndrome. Also called: Hereditary breast and ovarian cancer syndrome; BRCA1- and BRCA2-Associated Hereditary Breast and Ovarian Cancer; Breast and ovarian cancer; Hereditary breast and/or ovarian cancer syndrome; Hereditary breast and ovarian cancer; Hereditary breast and ovarian cancer syndrome (HBOC). Identifiers: Orphanet 145, MedGen C0677776, MeSH D061325, MONDO:0003582. Disease mechanism: loss of function.
Hereditary cancer-predisposing syndrome. Also called: Neoplastic Syndromes, Hereditary; Tumor predisposition; Hereditary Cancer Syndrome; Hereditary neoplastic syndrome. Identifiers: Orphanet 140162, MedGen C0027672, MeSH D009386, MONDO:0015356.

Submissions (4):

Labcorp Genetics (formerly Invitae), Labcorp
Classification: Uncertain significance for Hereditary breast ovarian cancer syndrome. Last evaluated: 2025-11-13. Review status: criteria provided, single submitter. Criteria: Invitae Variant Classification Sherloc (09022015). Collection method: clinical testing. Allele origin: germline.
Comment: This sequence change replaces asparagine, which is neutral and polar, with isoleucine, which is neutral and non-polar, at codon 1246 of the BRCA2 protein (p.Asn1246Ile). This variant is not present in population databases (gnomAD no frequency). This variant has not been reported in the literature in individuals affected with BRCA2-related conditions. ClinVar contains an entry for this variant (Variation ID: 233843). Invitae Evidence Modeling of protein sequence and biophysical properties (such as structural, functional, and spatial information, amino acid conservation, physicochemical variation, residue mobility, and thermodynamic stability) indicates that this missense variant is not expected to disrupt BRCA2 protein function with a negative predictive value of 95%. In summary, the available evidence is currently insufficient to determine the role of this variant in disease. Therefore, it has been classified as a Variant of Uncertain Significance.

University of Washington Department of Laboratory Medicine, University of Washington
Classification: Likely benign for Hereditary cancer-predisposing syndrome. Last evaluated: 2023-03-23. Review status: criteria provided, single submitter. Criteria: Dines et al. (Genet Med. 2020). Collection method: curation. Allele origin: germline.
Comment: Missense variant in a coldspot region where missense variants are very unlikely to be pathogenic (PMID:31911673).

BRCA2 exon 11 coldspot. Reclassification based on statistical prior probability.

GeneDx
Classification: Uncertain significance. Last evaluated: 2019-11-06. Review status: criteria provided, single submitter. Criteria: GeneDx Variant Classification Process June 2021. Collection method: clinical testing. Allele origin: germline. Affected: yes.
Comment: Not observed in large population cohorts (Lek 2016); Has not been previously published as pathogenic or benign to our knowledge; In silico analysis, which includes protein predictors and evolutionary conservation, supports a deleterious effect; Also known as 3965A>T

Ambry Genetics
Classification: Uncertain significance for Hereditary cancer-predisposing syndrome. Last evaluated: 2015-09-13. Review status: criteria provided, single submitter. Criteria: Ambry Variant Classification Scheme 2023. Collection method: clinical testing. Allele origin: germline.
Comment: The p.N1246I variant (also known as c.3737A>T), located in coding exon 10 of the BRCA2 gene, results from an A to T substitution at nucleotide position 3737. The asparagine at codon 1246 is replaced by isoleucine, an amino acid with dissimilar properties. This variant was not reported in population based cohorts in the following databases: Database of Single Nucleotide Polymorphisms (dbSNP), NHLBI Exome Sequencing Project (ESP), and 1000 Genomes Project. In the ESP, this variant was not observed in 6502 samples (13004 alleles) with coverage at this position. To date, this alteration has been detected with an allele frequency of approximately 0.001% (greater than 150000 alleles tested) in our clinical cohort. This amino acid position is poorly conserved in available vertebrate species. In addition, the in silico prediction for this alteration is inconclusive. Since supporting evidence is limited at this time, the clinical significance of p.N1246I remains unclear.

NM_000059.4(BRCA2):c.3737A>T (p.Asn1246Ile)

Gene: BRCA2 (BRCA2 DNA repair associated; plus strand). Cytogenetic location: 13q13.1.
Variant type: single nucleotide variant.
Coding change: c.3737A>T on transcript NM_000059.4 (MANE Select); coding-DNA position 3737, A replaced by T.
Protein change: p.Asn1246Ile; replaces asparagine 1246 with isoleucine.
Molecular consequence: missense variant.
Genome position (GRCh38, 1-based): chr13:32,338,092, A>T. VCF-style: chr13-32338092-A-T. GRCh37 (hg19) VCF-style: chr13-32912229-A-T.
Other names: short protein forms N1246I.
Identifiers: ClinVar variation 233843 (VCV000233843.17), dbSNP rs876660679, ClinGen allele CA10579587.